The following is an entry in ClinVar:

ClinVar aggregate classification (germline): Likely benign. Review status: criteria provided, single submitter (1 of 4 stars). 2 submissions from 2 submitters: Likely benign (1). 1 of the submissions does not count toward it. Last evaluated 2023-03-28.

Conditions:
MKS1-related disorder. Also called: MKS1-related condition; MKS1-related disorders. Identifiers: MedGen CN239382.
Joubert syndrome. Also called: JOUBERT-BOLTSHAUSER SYNDROME; Familial aplasia of the vermis. Identifiers: Orphanet 475, MedGen C5979921, MONDO:0018772.
Meckel-Gruber syndrome. Also called: DYSENCEPHALIA SPLANCHNOCYSTICA; GRUBER SYNDROME; Dysencephalia splachnocystica. Identifiers: Orphanet 564, MedGen C0265215, MONDO:0018921.

gnomAD v4.1: 1 of 1,611,580 alleles (0.000062%); highest among the groups gnomAD compares: Non-Finnish European, 0.000085%; no homozygotes.

Submissions (2):

Labcorp Genetics (formerly Invitae), Labcorp
Classification: Likely benign for Joubert syndrome; Meckel-Gruber syndrome. Last evaluated: 2023-03-28. Review status: criteria provided, single submitter. Criteria: Invitae Variant Classification Sherloc (09022015). Collection method: clinical testing. Allele origin: germline.

PreventionGenetics, part of Exact Sciences
Classification: Likely benign for MKS1-related condition. Last evaluated: 2024-03-19. Review status: no assertion criteria provided. Collection method: clinical testing. Allele origin: germline. Not counted in ClinVar's aggregate classification.
Comment: This variant is classified as likely benign based on ACMG/AMP sequence variant interpretation guidelines (Richards et al. 2015 PMID: 25741868, with internal and published modifications).

NM_017777.4(MKS1):c.1098C>T (p.Asp366=)

Gene: MKS1 (MKS transition zone complex subunit 1; minus strand). Cytogenetic location: 17q22.
Variant type: single nucleotide variant.
Coding change: c.1098C>T on transcript NM_017777.4 (MANE Select); coding-DNA position 1098, C replaced by T.
Protein change: p.Asp366=; no amino-acid change (aspartic acid 366 retained).
Molecular consequence: synonymous variant.
Genome position (GRCh38, 1-based): chr17:58,208,172, G>A on the plus strand (C>T on the coding strand, the complement: MKS1 is on the minus strand). VCF-style: chr17-58208172-G-A. GRCh37 (hg19) VCF-style: chr17-56285533-G-A.
Other names: c.489C>T, p.Asp163= (NM_001321268.2); c.1098C>T, p.Asp366= (NM_001321269.2, NM_001330397.2).
Identifiers: ClinVar variation 794411 (VCV000794411.12), dbSNP rs1374437999, ClinGen allele CA501028457.
Genomic context (GRCh38, chr17:58,208,172, plus strand): 5'-TTCATCCTCATGGAGGAAGAAGGCTTCAAACGTGAATGGGTAGGAGAAGTGAGCCACCTT[G>A]TCCTATAAAAAGGAGTGTCATAGGGTGGGCAAGGCCTCCCTTGGAATCTGTTCTCCTTGT-3'
Protein context (NP_060247.2, residues 356-376): QTCTTKSLAM[Asp366=]KVAHFSYPFT